The following is an entry in ClinVar:

ClinVar aggregate classification (germline): Uncertain significance (1 of 4 stars; one submission).

Conditions:
Hereditary cancer-predisposing syndrome. Also called: Hereditary neoplastic syndrome; Neoplastic Syndromes, Hereditary; Tumor predisposition; Hereditary Cancer Syndrome. Identifiers: Orphanet 140162, MedGen C0027672, MeSH D009386, MONDO:0015356.

Submission:

Ambry Genetics
Classification: Uncertain significance for Hereditary cancer-predisposing syndrome. Last evaluated: 2014-05-12. Review status: criteria provided, single submitter. Criteria: Ambry Autosomal Dominant and X-Linked criteria (10/2015). Collection method: clinical testing. Allele origin: germline. Observed: 1 variant allele.
Comment: The p.L309Q variant (also known as c.926T>A), located in coding exon 8 of the CHEK2 gene, results from a T to A substitution at nucleotide position 926. The leucine at codon 309 is replaced by glutamine, an amino acid with dissimilar properties. This variant was not reported in population based cohorts in the following databases: Database of Single Nucleotide Polymorphisms (dbSNP), NHLBI Exome Sequencing Project (ESP), and 1000 Genomes Project. To date, this alteration has been detected with an allele frequency of approximately 0.005% (greater than 18000 alleles tested) in our clinical cohort (includes this individual). This amino acid position is highly conserved in available vertebrate species. In addition, this alteration is predicted to be probably damaging and deleterious by PolyPhen and SIFT in silico analyses, respectively. Since supporting evidence is limited at this time, the clinical significance of p.L309Q remains unclear.

NM_007194.4(CHEK2):c.926T>A (p.Leu309Gln)

Gene: CHEK2 (checkpoint kinase 2; minus strand). Cytogenetic location: 22q12.1.
Variant type: single nucleotide variant.
Coding change: c.926T>A on transcript NM_007194.4 (MANE Select); coding-DNA position 926, T replaced by A.
Protein change: p.Leu309Gln; replaces leucine 309 with glutamine.
Molecular consequence: missense variant.
Genome position (GRCh38, 1-based): chr22:28,699,920, A>T on the plus strand (T>A on the coding strand, the complement: CHEK2 is on the minus strand). VCF-style: chr22-28699920-A-T. GRCh37 (hg19) VCF-style: chr22-29095908-A-T.
Other names: c.1055T>A, p.Leu352Gln (NM_001005735.3); c.263T>A, p.Leu88Gln (NM_001257387.3); c.725T>A, p.Leu242Gln (NM_001349956.3); c.926T>A, p.Leu309Gln (NM_145862.3); short protein forms L309Q, L242Q, L352Q, L88Q.
Identifiers: ClinVar variation 184848 (VCV000184848.3), dbSNP rs786201734, ClinGen allele CA190236.